The following is an entry in ClinVar:

ClinVar aggregate classification (germline): Pathogenic (1 of 4 stars; one submission).

Submission:

Labcorp Genetics (formerly Invitae), Labcorp
Classification: Pathogenic. Last evaluated: 2023-10-08. Review status: criteria provided, single submitter. Criteria: Invitae Variant Classification Sherloc (09022015). Collection method: clinical testing. Allele origin: germline.
Comment: This sequence change creates a premature translational stop signal (p.His379Trpfs*12) in the SLC39A4 gene. It is expected to result in an absent or disrupted protein product. Loss-of-function variants in SLC39A4 are known to be pathogenic (PMID: 12955721). This variant is not present in population databases (gnomAD no frequency). This variant has not been reported in the literature in individuals affected with SLC39A4-related conditions. For these reasons, this variant has been classified as Pathogenic.

Literature cited by the submitters: PubMed 12955721.

NM_130849.4(SLC39A4):c.1114delinsCTCACTGGGGACGCTGTCCTGTGGGTGCAC (p.Val372fs)

Gene: SLC39A4 (solute carrier family 39 member 4; minus strand). Cytogenetic location: 8q24.3.
Variant type: Duplication.
Coding change: c.1114delinsCTCACTGGGGACGCTGTCCTGTGGGTGCAC on transcript NM_130849.4 (MANE Select); coding-DNA position 1114, G replaced by CTCACTGGGGACGCTGTCCTGTGGGTGCAC.
Protein change: p.Val372fs; shifts the reading frame from valine 372.
Molecular consequence: frameshift variant.
Genome position (GRCh38, 1-based): chr8:144,414,297, C replaced by GTGCACCCACAGGACAGCGTCCCCAGTGAG on the plus strand (G replaced by CTCACTGGGGACGCTGTCCTGTGGGTGCAC on the coding strand, the reverse complement: SLC39A4 is on the minus strand). VCF-style: chr8-144414297-C-GTGCACCCACAGGACAGCGTCCCCAGTGAG. GRCh37 (hg19) VCF-style: chr8-145639660-G-GCAGGACAGCGTCCCCAGTGAGTGCACCCA.
Other names: c.832delinsCTCACTGGGGACGCTGTCCTGTGGGTGCAC, p.Val278fs (NM_001374839.1); c.1039delinsCTCACTGGGGACGCTGTCCTGTGGGTGCAC, p.Val347fs (NM_017767.3); short protein forms V372fs, V278fs, V347fs.
Identifiers: ClinVar variation 2753679 (VCV002753679.3), dbSNP rs2537431869, ClinGen allele CA2697550211.
Genomic context (GRCh38, chr8:144,414,297, plus strand): 5'-GGGTCGCGGGTTTGTGGGGGCAGACCTTGGGCGTCAGATGCAGGACAGCGTCCCCAGTGA[C>GTGCACCCACAGGACAGCGTCCCCAGTGAG]TGCACCCACTGCCAGGCTCAGGAAGGTCTGCAGGATGTAGTGGGTGACCCCCCTGCAGCC-3'